The following is an entry in ClinVar:

ClinVar aggregate classification (germline): Likely pathogenic (1 of 4 stars; one submission).

Conditions:
Perrault syndrome. Also called: Gonadal dysgenesis with auditory dysfunction, autosomal recessive inheritance. Identifiers: Orphanet 2855, MedGen C0685838, MONDO:0017312.
Bifunctional peroxisomal enzyme deficiency (DBIF). Also called: DBP DEFICIENCY; PBFE DEFICIENCY; D-bifunctional protein deficiency. Identifiers: Orphanet 300, MedGen C0342870, MONDO:0009855, OMIM 261515. Disease mechanism: loss of function.

Allele frequency attached by ClinVar (database versions not stated): gnomAD exomes below 0.00001.
gnomAD v4.1: 1 of 1,599,156 alleles (0.000063%); highest among the groups gnomAD compares: South Asian, 0.0011%; no homozygotes.

Submission:

Labcorp Genetics (formerly Invitae), Labcorp
Classification: Likely pathogenic for Perrault syndrome; Bifunctional peroxisomal enzyme deficiency. Last evaluated: 2021-10-03. Review status: criteria provided, single submitter. Criteria: Invitae Variant Classification Sherloc (09022015). Collection method: clinical testing. Allele origin: germline.
Comment: In summary, the currently available evidence indicates that the variant is pathogenic, but additional data are needed to prove that conclusively. Therefore, this variant has been classified as Likely Pathogenic. This variant disrupts the p.Asn98 amino acid residue in HSD17B4. Other variant(s) that disrupt this residue have been determined to be pathogenic (PMID: 27790638; Invitae). This suggests that this residue is clinically significant, and that variants that disrupt this residue are likely to be disease-causing. Advanced modeling of protein sequence and biophysical properties (such as structural, functional, and spatial information, amino acid conservation, physicochemical variation, residue mobility, and thermodynamic stability) performed at Invitae indicates that this missense variant is expected to disrupt HSD17B4 protein function. This variant has not been reported in the literature in individuals affected with HSD17B4-related conditions. This variant is not present in population databases (ExAC no frequency). This sequence change replaces asparagine with aspartic acid at codon 98 of the HSD17B4 protein (p.Asn98Asp). The asparagine residue is highly conserved and there is a small physicochemical difference between asparagine and aspartic acid.

Literature cited by the submitters: PubMed 27790638.

NM_000414.4(HSD17B4):c.292A>G (p.Asn98Asp)

Gene: HSD17B4 (hydroxysteroid 17-beta dehydrogenase 4; plus strand). Cytogenetic location: 5q23.1.
Variant type: single nucleotide variant.
Coding change: c.292A>G on transcript NM_000414.4 (MANE Select); coding-DNA position 292, A replaced by G.
Protein change: p.Asn98Asp; replaces asparagine 98 with aspartic acid.
Molecular consequence: missense variant. On other transcripts: 5 prime UTR variant (5), synonymous variant (1), non-coding transcript variant (2).
Genome position (GRCh38, 1-based): chr5:119,475,717, A>G. VCF-style: chr5-119475717-A-G. GRCh37 (hg19) VCF-style: chr5-118811412-A-G.
Other names: c.367A>G, p.Asn123Asp (NM_001199291.3); c.238A>G, p.Asn80Asp (NM_001199292.2); c.220A>G, p.Asn74Asp (NM_001292027.2); c.-120A>G (NM_001292028.2, NM_001374501.1, NM_001374502.1 and 1 more transcripts); c.292A>G, p.Asn98Asp (NM_001374497.1, NM_001374498.1); c.12A>G, p.Ser4= (NM_001374499.1); c.-247A>G (NM_001374500.1); short protein forms N123D, N98D, N74D, N80D.
Identifiers: ClinVar variation 1496342 (VCV001496342.6), dbSNP rs1561442127, ClinGen allele CA360864884.
Genomic context (GRCh38, chr5:119,475,717, plus strand): 5'-AACTAATATGCTTGCTTTTAGATGTAACTTGTATCTTTTTATATTGTAGATGTTGTGGTC[A>G]ACAATGCTGGGTGAGTATTTCTTTTTCATTTTTAGTGATGTGTGTATAATTTTTTTAAAA-3'
Protein context (NP_000405.1, residues 88-108): DAFGRIDVVV[Asn98Asp]NAGILRDRSF